The following is an entry in ClinVar:

ClinVar aggregate classification (germline): Uncertain significance (1 of 4 stars; one submission).

Submission:

Ambry Genetics
Classification: Uncertain significance. Last evaluated: 2025-05-02. Review status: criteria provided, single submitter. Criteria: Ambry Variant Classification Scheme 2023. Collection method: clinical testing. Allele origin: germline.
Comment: The p.E1442D variant (also known as c.4326G>C), located in coding exon 14 of the CDK12 gene, results from a G to C substitution at nucleotide position 4326. The glutamic acid at codon 1442 is replaced by aspartic acid, an amino acid with highly similar properties. This amino acid position is conserved. In addition, this alteration is predicted to be tolerated by in silico analysis. Based on the available evidence, the clinical significance of this variant remains unclear.

NM_016507.4(CDK12):c.4326G>C (p.Glu1442Asp)

Gene: CDK12 (cyclin dependent kinase 12; plus strand). Cytogenetic location: 17q12.
Variant type: single nucleotide variant.
Coding change: c.4326G>C on transcript NM_016507.4 (MANE Select); coding-DNA position 4326, G replaced by C.
Protein change: p.Glu1442Asp; replaces glutamic acid 1442 with aspartic acid.
Molecular consequence: missense variant.
Genome position (GRCh38, 1-based): chr17:39,531,169, G>C. VCF-style: chr17-39531169-G-C. GRCh37 (hg19) VCF-style: chr17-37687422-G-C.
Other names: c.4299G>C, p.Glu1433Asp (NM_015083.4); short protein forms E1442D, E1433D.
Identifiers: ClinVar variation 3999407 (VCV003999407.1).